The following is an entry in ClinVar:

ClinVar aggregate classification (germline): Conflicting classifications of pathogenicity. Review status: criteria provided, conflicting classifications (1 of 4 stars). 3 submissions from 3 submitters: Uncertain significance (2); Likely benign (1). Last evaluated 2025-05-28.

Conditions:
Hereditary cancer-predisposing syndrome. Also called: Neoplastic Syndromes, Hereditary; Tumor predisposition; Hereditary Cancer Syndrome; Hereditary neoplastic syndrome. Identifiers: Orphanet 140162, MedGen C0027672, MeSH D009386, MONDO:0015356.

Submissions (3):

Ambry Genetics
Classification: Uncertain significance for Hereditary cancer-predisposing syndrome. Last evaluated: 2025-05-28. Review status: criteria provided, single submitter. Criteria: Ambry Variant Classification Scheme 2023. Collection method: clinical testing. Allele origin: germline.
Comment: The p.I966V variant (also known as c.2896A>G), located in coding exon 9 of the BRCA1 gene, results from an A to G substitution at nucleotide position 2896. The isoleucine at codon 966 is replaced by valine, an amino acid with highly similar properties. This amino acid position is not well conserved in available vertebrate species. In addition, this alteration is predicted to be tolerated by in silico analysis. Based on the available evidence, the clinical significance of this variant remains unclear.

University of Washington Department of Laboratory Medicine, University of Washington
Classification: Likely benign for Hereditary cancer-predisposing syndrome. Last evaluated: 2023-03-23. Review status: criteria provided, single submitter. Criteria: Dines et al. (Genet Med. 2020). Collection method: curation. Allele origin: germline.
Comment: Missense variant in a coldspot region where missense variants are very unlikely to be pathogenic (PMID:31911673).

BRCA1 coldspot (exon 11 using historical exon numbering). Reclassification based on statistical prior probability

Color Diagnostics, LLC DBA Color Health
Classification: Uncertain significance for Hereditary cancer-predisposing syndrome. Last evaluated: 2020-04-13. Review status: criteria provided, single submitter. Criteria: ACMG Guidelines, 2015. Collection method: clinical testing. Allele origin: germline.
Comment: This missense variant replaces isoleucine with valine at codon 966 of the BRCA1 protein. Computational prediction suggests that this variant may not impact protein structure and function (internally defined REVEL score threshold <= 0.5, PMID: 27666373). To our knowledge, functional studies have not been reported for this variant. This variant has not been reported in individuals affected with hereditary cancer in the literature. This variant has not been identified in the general population by the Genome Aggregation Database (gnomAD). The available evidence is insufficient to determine the role of this variant in disease conclusively. Therefore, this variant is classified as a Variant of Uncertain Significance.

NM_007294.4(BRCA1):c.2896A>G (p.Ile966Val)

Gene: BRCA1 (BRCA1 DNA repair associated; minus strand). Cytogenetic location: 17q21.31.
Variant type: single nucleotide variant.
Coding change: c.2896A>G on transcript NM_007294.4 (MANE Select); coding-DNA position 2896, A replaced by G.
Protein change: p.Ile966Val; replaces isoleucine 966 with valine.
Molecular consequence: missense variant. On other transcripts: intron variant (137).
Genome position (GRCh38, 1-based): chr17:43,092,635, T>C on the plus strand (A>G on the coding strand, the complement: BRCA1 is on the minus strand). VCF-style: chr17-43092635-T-C. GRCh37 (hg19) VCF-style: chr17-41244652-T-C.
Other names: c.2896A>G, p.Ile966Val (NM_001407641.1, NM_001407642.1, NM_007300.4 and 30 more transcripts); c.2515A>G, p.Ile839Val (NM_001407963.1, NM_001407959.1, NM_001407960.1); c.2752A>G, p.Ile918Val (NM_001407964.1, NM_001407740.1, NM_001407741.1 and 20 more transcripts); c.2392A>G, p.Ile798Val (NM_001407965.1); c.2893A>G, p.Ile965Val (NM_001407644.1, NM_001407645.1, NM_001407860.1 and 22 more transcripts); c.2755A>G, p.Ile919Val (NM_007297.4, NM_001407692.1, NM_001407694.1 and 29 more transcripts); c.2773A>G, p.Ile925Val (NM_001407648.1, NM_001407664.1, NM_001407665.1 and 19 more transcripts); c.2887A>G, p.Ile963Val (NM_001407647.1, NM_001407646.1); and 41 more; short protein forms I919V, I966V, I670V, I798V, I918V, I925V, I854V, I877V.
Identifiers: ClinVar variation 921416 (VCV000921416.7), dbSNP rs1274520145, ClinGen allele CA10596200.